The following is an entry in ClinVar:

ClinVar aggregate classification (germline): Likely benign (1 of 4 stars; one submission).

Allele frequency attached by ClinVar (database versions not stated): ExAC 0.00193; 1000 Genomes Project 0.00371; 1000 Genomes Project 30x 0.00458; gnomAD 0.00480 and 0.00507; TOPMed 0.00517; ESP Exome Variant Server 0.00559.
gnomAD v4.1: 1,130 of 1,028,778 alleles (0.11%); highest among the groups gnomAD compares: African/African-American, 1.7%; 6 homozygotes.

Submission:

GeneDx
Classification: Likely benign. Last evaluated: 2018-06-18. Review status: criteria provided, single submitter. Criteria: GeneDx Variant Classification (06012015). Collection method: clinical testing. Allele origin: germline. Affected: yes.
Comment: This variant is considered likely benign or benign based on one or more of the following criteria: it is a conservative change, it occurs at a poorly conserved position in the protein, it is predicted to be benign by multiple in silico algorithms, and/or has population frequency not consistent with disease.

NM_000252.3(MTM1):c.445-33C>T

Gene: MTM1 (myotubularin 1; plus strand). Cytogenetic location: Xq28.
Variant type: single nucleotide variant.
Coding change: c.445-33C>T on transcript NM_000252.3 (MANE Select); 33 bases into the intron before coding-DNA position 445, C replaced by T.
Molecular consequence: intron variant.
Genome position (GRCh38, 1-based): chrX:150,638,910, C>T. VCF-style: chrX-150638910-C-T. GRCh37 (hg19) VCF-style: chrX-149807383-C-T.
Other names: c.445-33C>T (NM_001376908.1, NM_001376906.1); c.334-33C>T (NM_001376907.1).
Identifiers: ClinVar variation 679587 (VCV000679587.1), dbSNP rs143521383, ClinGen allele CA10539106.
Genomic context (GRCh38, chrX:150,638,910, plus strand): 5'-TGGTGAAATTTATTTTGCGAGAAATCAAAAGATGTACTATAATAGTAGACTGTTCCTTCA[C>T]GCTGAACTTTATTTATTTTTTGCCTTTTCTAGCCATTATTTGCATTTTTAAATGAAGAAA-3'